The following is an entry in ClinVar:

ClinVar aggregate classification (germline): Pathogenic. Review status: criteria provided, multiple submitters, no conflicts (2 of 4 stars). 8 submissions from 8 submitters: Pathogenic (8). Last evaluated 2024-09-20.

Conditions:
Hearing loss, autosomal recessive. Also called: Autosomal recessive nonsyndromic deafness; Deafness, autosomal recessive; Nonsyndromic Hearing Loss, Recessive; Rare autosomal recessive non-syndromic sensorineural deafness type DFNB. Identifiers: Orphanet 90635, Orphanet 90636, MedGen C1846647, MONDO:0019588, OMIM 607197.
TMPRSS3-related disorder. Also called: TMPRSS3-related condition.
Autosomal recessive nonsyndromic hearing loss 8 (DFNB8). Also called: Deafness, autosomal recessive 10; NEUROSENSORY NONSYNDROMIC RECESSIVE DEAFNESS 8. Identifiers: Orphanet 90636, MedGen C1832827, MONDO:0010987, OMIM 601072.

Allele frequency attached by ClinVar (database versions not stated): ExAC 0.00001; gnomAD 0.00002; gnomAD exomes 0.00002 and 0.00005; TOPMed 0.00002; ESP Exome Variant Server 0.00008.

Submissions (8):

Victorian Clinical Genetics Services, Murdoch Childrens Research Institute
Classification: Pathogenic for Autosomal recessive nonsyndromic hearing loss 8. Last evaluated: 2024-09-20. Review status: criteria provided, single submitter. Criteria: ACMG Guidelines, 2015. Collection method: clinical testing. Allele origin: germline. Inheritance: Autosomal recessive inheritance. Affected: yes.
Comment: Based on the classification scheme VCGS_Germline_v1.3.4, this variant is classified as Pathogenic. Following criteria are met: 0102 - Loss of function is a known mechanism of disease in this gene and is associated with deafness, autosomal recessive 8/10 (MIM#601072). (I) 0106 - This gene is associated with autosomal recessive disease. (I) 0200 - Variant is predicted to result in a missense amino acid change from arginine to cysteine. (I) 0251 - This variant is heterozygous. (I) 0304 - Variant is present in gnomAD (v2) <0.01 for a recessive condition (6 heterozygotes, 0 homozygotes). (SP) 0309 - Multiple alternative amino acid changes at the same position have been observed in gnomAD (v3) (highest allele count: 3 heterozygotes, 0 homozygotes). (I) 0501 - Missense variant consistently predicted to be damaging by multiple in silico tools or highly conserved with a major amino acid change. (SP) 0604 - Variant is not located in an established domain, motif, hotspot or informative constraint region. (I) 0703 - Other missense variants comparable to the one identified in this case have moderate previous evidence for pathogenicity. ClinVar contains two likely pathogenic entries for p.(Arg216His), and p.(Arg216Leu) has been reported in two homozygous brothers with autosomal recessive post-lingual hearing loss (PMID: 16021470). (SP) 0801 - This variant has strong previous evidence of pathogenicity in unrelated individuals. This variant has been classified as pathogenic by two clinical laboratories in ClinVar, and has been reported in multiple unrelated compound heterozygous individual with hearing loss (PMID: 17551081, 29889784, 34440452, 22975204). (SP) 1208 - Inheritance information for this variant is not currently available in this individual. (I) Legend: (SP) - Supporting pathogenic, (I) - Information, (SB) - Supporting benign

CeGaT Center for Human Genetics Tuebingen
Classification: Pathogenic. Last evaluated: 2024-05-01. Review status: criteria provided, single submitter. Criteria: CeGaT Center For Human Genetics Tuebingen Variant Classification Criteria Version 2. Collection method: clinical testing. Allele origin: germline. Affected: yes. Observed: 4 variant alleles.
Comment: TMPRSS3: PM3:Very Strong, PP1:Strong, PM2, PM5

Laboratory of Human Genetics, Universidade de São Paulo
Classification: Pathogenic for Hearing loss, autosomal recessive. Last evaluated: 2024-05-01. Review status: criteria provided, single submitter. Criteria: ClinGen HL ACMG Specifications v1. Collection method: research. Allele origin: biparental. Affected: yes. Observed: 2 variant alleles.
Comment: The TMPRSS3:c.646C>T:p.Arg216Cys variant has extremely low frequency in gnomAD population databases (PM2), localized in a mutational hotspot (PM1). Different amino acid change as a known pathogenic variant (PM5), computational prediction tools unanimously support a deleterious effect on the gene (PP3). It is in homozygosis in two affected siblings born from consanguineous couple, thus segregates with hearing loss (PM3, PP1) .

Labcorp Genetics (formerly Invitae), Labcorp
Classification: Pathogenic. Last evaluated: 2024-02-22. Review status: criteria provided, single submitter. Criteria: Invitae Variant Classification Sherloc (09022015). Collection method: clinical testing. Allele origin: germline.
Comment: This sequence change replaces arginine, which is basic and polar, with cysteine, which is neutral and slightly polar, at codon 216 of the TMPRSS3 protein (p.Arg216Cys). This variant is present in population databases (rs145913750, gnomAD 0.01%). This missense change has been observed in individual(s) with autosomal recessive nonsyndromic deafness (PMID: 17551081). It has also been observed to segregate with disease in related individuals. ClinVar contains an entry for this variant (Variation ID: 1175710). Advanced modeling of protein sequence and biophysical properties (such as structural, functional, and spatial information, amino acid conservation, physicochemical variation, residue mobility, and thermodynamic stability) performed at Invitae indicates that this missense variant is expected to disrupt TMPRSS3 protein function with a positive predictive value of 95%. This variant disrupts the p.Arg216 amino acid residue in TMPRSS3. Other variant(s) that disrupt this residue have been determined to be pathogenic (PMID: 26445815). This suggests that this residue is clinically significant, and that variants that disrupt this residue are likely to be disease-causing. For these reasons, this variant has been classified as Pathogenic.

Women's Health and Genetics/Laboratory Corporation of America, LabCorp
Classification: Pathogenic for Autosomal recessive nonsyndromic hearing loss 8. Last evaluated: 2023-07-28. Review status: criteria provided, single submitter. Criteria: LabCorp Variant Classification Summary - May 2015. Collection method: clinical testing. Allele origin: germline.
Comment: Variant summary: TMPRSS3 c.646C>T (p.Arg216Cys) results in a non-conservative amino acid change located in the Serine proteases, trypsin domain (IPR001254) of the encoded protein sequence. Five of five in-silico tools predict a damaging effect of the variant on protein function. The variant allele was found at a frequency of 2.4e-05 in 251338 control chromosomes (gnomAD). c.646C>T has been reported in the literature in multiple individuals affected with Deafness (examples: Elbracht_2007, Boudewyns_2018, and, Van Heurck_2021). These data indicate that the variant is very likely to be associated with disease. The following publications have been ascertained in the context of this evaluation (PMID: 29889784, 17551081, 34440452). One submitter has cited clinical-significance assessments for this variant to ClinVar after 2014 and has classified the variant as pathogenic. Based on the evidence outlined above, the variant was classified as pathogenic.

Blueprint Genetics
Classification: Pathogenic for TMPRSS3-related disorders. Last evaluated: 2021-07-23. Review status: criteria provided, single submitter. Criteria: ACMG Guidelines, 2015. Collection method: clinical testing. Allele origin: germline. Affected: yes. Observed: 2 variant alleles.

Center of Genomic medicine, Geneva, University Hospital of Geneva
Classification: Pathogenic for Autosomal recessive nonsyndromic hearing loss 8. Last evaluated: 2020-10-07. Review status: criteria provided, single submitter. Criteria: ACMG Guidelines, 2015. Collection method: clinical testing. Allele origin: paternal. Affected: yes. Observed: 1 variant allele.

Juno Genomics, Hangzhou Juno Genomics, Inc
Classification: Pathogenic for Autosomal recessive nonsyndromic hearing loss 8. Review status: criteria provided, single submitter. Criteria: ACMG Guidelines, 2015. Collection method: clinical testing. Allele origin: germline.
Comment: Absent from controls (or at extremely low frequency if recessive) in Genome Aggregation Database.;For recessive disorders, detected in trans with a pathogenic variant.;Co-segregation with disease in multiple affected family members.;Multiple lines of computational evidence support a deleterious effect on the gene or gene product.

Literature cited by the submitters: PubMed 16021470 (cited by Victorian Clinical Genetics Services, Murdoch Childrens Research Institute); PubMed 17551081 (cited by 3 submitters); PubMed 22975204 (cited by Victorian Clinical Genetics Services, Murdoch Childrens Research Institute); PubMed 29889784 (cited by Victorian Clinical Genetics Services, Murdoch Childrens Research Institute and Women's Health and Genetics/Laboratory Corporation of America, LabCorp); PubMed 34440452 (cited by Victorian Clinical Genetics Services, Murdoch Childrens Research Institute and Women's Health and Genetics/Laboratory Corporation of America, LabCorp); PubMed 26445815 (cited by Labcorp Genetics (formerly Invitae), Labcorp).

NM_001256317.3(TMPRSS3):c.646C>T (p.Arg216Cys)

Gene: TMPRSS3 (transmembrane serine protease 3; minus strand). Cytogenetic location: 21q22.3.
Variant type: single nucleotide variant.
Coding change: c.646C>T on transcript NM_001256317.3 (MANE Select); coding-DNA position 646, C replaced by T.
Protein change: p.Arg216Cys; replaces arginine 216 with cysteine.
Molecular consequence: missense variant.
Genome position (GRCh38, 1-based): chr21:42,383,169, G>A on the plus strand (C>T on the coding strand, the complement: TMPRSS3 is on the minus strand). VCF-style: chr21-42383169-G-A. GRCh37 (hg19) VCF-style: chr21-43803278-G-A.
Other names: c.646C>T, p.Arg216Cys (NM_024022.4, NM_032405.2); c.265C>T, p.Arg89Cys (NM_032404.3); c.646C>T (NM_001256317.1, NM_024022.2); short protein forms R216C, R89C.
Identifiers: ClinVar variation 1175710 (VCV001175710.33), dbSNP rs145913750, ClinGen allele CA10042504.